The following is an entry in ClinVar:

ClinVar aggregate classification (germline): Pathogenic (1 of 4 stars; one submission).

Conditions:
Baller-Gerold syndrome (BGS). Also called: CRANIOSYNOSTOSIS WITH RADIAL DEFECTS. Identifiers: Orphanet 1225, MedGen C0265308, MONDO:0009039, OMIM 218600.

Submission:

Labcorp Genetics (formerly Invitae), Labcorp
Classification: Pathogenic for Baller-Gerold syndrome. Last evaluated: 2023-12-01. Review status: criteria provided, single submitter. Criteria: Invitae Variant Classification Sherloc (09022015). Collection method: clinical testing. Allele origin: germline.
Comment: This sequence change creates a premature translational stop signal (p.Glu1094Metfs*57) in the RECQL4 gene. It is expected to result in an absent or disrupted protein product. Loss-of-function variants in RECQL4 are known to be pathogenic (PMID: 12734318, 12952869). This variant is not present in population databases (gnomAD no frequency). This variant has not been reported in the literature in individuals affected with RECQL4-related conditions. For these reasons, this variant has been classified as Pathogenic.

Literature cited by the submitters: PubMed 12734318; PubMed 12952869.

NM_004260.4(RECQL4):c.3278_3279dup (p.Glu1094fs)

Gene: RECQL4 (RecQ like helicase 4; minus strand). Cytogenetic location: 8q24.3.
Variant type: Duplication.
Coding change: c.3278_3279dup on transcript NM_004260.4 (MANE Select); coding-DNA positions 3278 to 3279, 2 bases duplicated (AT; older notation c.3278_3279dupAT).
Protein change: p.Glu1094fs; shifts the reading frame from glutamic acid 1094.
Molecular consequence: frameshift variant. On other transcripts: non-coding transcript variant (3).
Genome position (GRCh38, 1-based): chr8:144,512,025-144,512,026, AT duplicated on the plus strand (AT on the coding strand, the reverse complement: RECQL4 is on the minus strand). VCF-style (leftmost placement, unchanged base first): chr8-144512024-C-CAT. GRCh37 (hg19) VCF-style: chr8-145737407-C-CAT.
Other names: c.3278_3279dup, p.Glu1094fs (NM_001413036.1); c.2075_2076dup, p.Glu693fs (NM_001413037.1); c.2009_2010dup, p.Glu671fs (NM_001413038.1, NM_001413031.1); c.3248_3249dup, p.Glu1084fs (NM_001413039.1); c.2207_2208dup, p.Glu737fs (NM_001413040.1, NM_001413021.1, NM_001413022.1 and 4 more transcripts); c.2216_2217dup, p.Glu740fs (NM_001413041.1); c.2177_2178dup, p.Glu727fs (NM_001413042.1); c.1811_1812dup, p.Glu605fs (NM_001413043.1); and 9 more; short protein forms E693fs, E715fs, E727fs, E762fs, E996fs, E1028fs, E1084fs, E1119fs.
Identifiers: ClinVar variation 2827764 (VCV002827764.3), dbSNP rs2537973738, ClinGen allele CA2689129246.